The following is an entry in ClinVar:

NM_005566.4(LDHA):c.396G>T (p.Lys132Asn)

Gene: LDHA (lactate dehydrogenase A; plus strand). Cytogenetic location: 11p15.1.
Variant type: single nucleotide variant.
Coding change: c.396G>T on transcript NM_005566.4 (MANE Select); coding-DNA position 396, G replaced by T.
Protein change: p.Lys132Asn; replaces lysine 132 with asparagine.
Molecular consequence: missense variant. On other transcripts: non-coding transcript variant (1), intron variant (1).
Genome position (GRCh38, 1-based): chr11:18,400,988, G>T. VCF-style: chr11-18400988-G-T. GRCh37 (hg19) VCF-style: chr11-18422535-G-T.
Other names: c.483G>T, p.Lys161Asn (NM_001165414.2); c.396G>T, p.Lys132Asn (NM_001165415.2, NM_001165416.2); c.244+1440G>T (NM_001135239.2); short protein forms K132N, K161N.
Identifiers: ClinVar variation 1977576 (VCV001977576.5), dbSNP rs1866466904, ClinGen allele CA379503709.

ClinVar aggregate classification (germline): Uncertain significance (1 of 4 stars; one submission).

Conditions:
Glycogen storage disease due to lactate dehydrogenase M-subunit deficiency (GSD11). Also called: Glycogen storage disease XI; GSD XI; LACTATE DEHYDROGENASE A DEFICIENCY. Identifiers: Orphanet 284426, MedGen C2931743, MONDO:0013047, OMIM 612933.

Submission:

Labcorp Genetics (formerly Invitae), Labcorp
Classification: Uncertain significance for Glycogen storage disease due to lactate dehydrogenase M-subunit deficiency. Last evaluated: 2022-09-12. Review status: criteria provided, single submitter. Criteria: Invitae Variant Classification Sherloc (09022015). Collection method: clinical testing. Allele origin: germline.
Comment: This variant is not present in population databases (gnomAD no frequency). In summary, the available evidence is currently insufficient to determine the role of this variant in disease. Therefore, it has been classified as a Variant of Uncertain Significance. Advanced modeling of protein sequence and biophysical properties (such as structural, functional, and spatial information, amino acid conservation, physicochemical variation, residue mobility, and thermodynamic stability) performed at Invitae indicates that this missense variant is not expected to disrupt LDHA protein function. This variant has not been reported in the literature in individuals affected with LDHA-related conditions. This sequence change replaces lysine, which is basic and polar, with asparagine, which is neutral and polar, at codon 132 of the LDHA protein (p.Lys132Asn).